The following is an entry in ClinVar:

NM_019032.6(ADAMTSL4):c.287dup (p.Arg98fs)

Genes: ADAMTSL4 (ADAMTS like 4; plus strand), ADAMTSL4-AS2 (ADAMTSL4 antisense RNA 2; minus strand). Cytogenetic location: 1q21.2.
Variant type: Duplication.
Coding change: c.287dup on transcript NM_019032.6 (MANE Select); coding-DNA position 287, one base duplicated (T; older notation c.287dupT).
Protein change: p.Arg98fs; shifts the reading frame from arginine 98.
Molecular consequence: frameshift variant.
Genome position (GRCh38, 1-based): chr1:150,553,106, T duplicated. VCF-style (leftmost placement, unchanged base first): chr1-150553105-C-CT. GRCh37 (hg19) VCF-style: chr1-150525581-C-CT.
Other names: c.287dup, p.Arg98fs (NM_001288607.2, NM_001288608.2, NM_001378596.1 and 1 more transcripts); short protein forms R98fs.
Identifiers: ClinVar variation 1921077 (VCV001921077.5), dbSNP rs2526588902, ClinGen allele CA2580060979.

ClinVar aggregate classification (germline): Pathogenic (1 of 4 stars; one submission).

Submission:

Labcorp Genetics (formerly Invitae), Labcorp
Classification: Pathogenic. Last evaluated: 2023-03-08. Review status: criteria provided, single submitter. Criteria: Invitae Variant Classification Sherloc (09022015). Collection method: clinical testing. Allele origin: germline.
Comment: ClinVar contains an entry for this variant (Variation ID: 1921077). This variant has not been reported in the literature in individuals affected with ADAMTSL4-related conditions. This variant is not present in population databases (gnomAD no frequency). This sequence change creates a premature translational stop signal (p.Arg98Profs*85) in the ADAMTSL4 gene. It is expected to result in an absent or disrupted protein product. Loss-of-function variants in ADAMTSL4 are known to be pathogenic (PMID: 20564469, 28642162). For these reasons, this variant has been classified as Pathogenic.

Literature cited by the submitters: PubMed 20564469; PubMed 28642162.